The following is an entry in ClinVar:

ClinVar aggregate classification (germline): Uncertain significance. Review status: criteria provided, multiple submitters, no conflicts (2 of 4 stars). 4 submissions from 4 submitters: Uncertain significance (3). 1 of the submissions does not count toward it. Last evaluated 2025-06-19.

Conditions:
Polycystic kidney disease. Also called: Kidney, Polycystic; Polycystic kidney dysplasia. Identifiers: MedGen C0022680, MeSH D007690, MONDO:0020642, HP:0000113.
Inborn genetic diseases. Identifiers: MedGen C0950123, MeSH D030342.

Allele frequency attached by ClinVar (database versions not stated): gnomAD 0.00013 and 0.00014; TOPMed 0.00018; 1000 Genomes Project 0.00020; 1000 Genomes Project 30x 0.00031.

Submissions (4):

Women's Health and Genetics/Laboratory Corporation of America, LabCorp
Classification: Uncertain significance. Last evaluated: 2025-06-19. Review status: criteria provided, single submitter. Criteria: LabCorp Variant Classification Summary - May 2015. Collection method: clinical testing. Allele origin: germline.
Comment: Variant summary: PKD1 c.5758C>T (p.Arg1920Cys) results in a non-conservative amino acid change in the encoded protein sequence. Algorithms developed to predict the effect of missense changes on protein structure and function are either unavailable or do not agree on the potential impact of this missense change. The variant allele was found at a frequency of 8.2e-05 in 233102 control chromosomes. This frequency is not significantly higher than estimated for a pathogenic variant in PKD1 causing PKD1-Biallelic Autosomal Recessive Polycystic Kidney Disease, allowing no conclusion about variant significance. To our knowledge, no occurrence of c.5758C>T in individuals affected with PKD1-Biallelic Autosomal Recessive Polycystic Kidney Disease and no experimental evidence demonstrating its impact on protein function have been reported. ClinVar contains an entry for this variant (Variation ID: 997231). Based on the evidence outlined above, the variant was classified as uncertain significance.

Blueprint Genetics
Classification: Uncertain significance. Last evaluated: 2024-10-15. Review status: criteria provided, single submitter. Criteria: ACMG Guidelines, 2015. Collection method: clinical testing. Allele origin: germline.

Ambry Genetics
Classification: Uncertain significance for Inborn genetic diseases. Last evaluated: 2021-08-17. Review status: criteria provided, single submitter. Criteria: Ambry Variant Classification Scheme 2023. Collection method: clinical testing. Allele origin: germline.

Department of Pathology and Laboratory Medicine, Sinai Health System
Classification: Uncertain significance for Polycystic Kidney disease. Review status: no assertion criteria provided. Collection method: clinical testing. Allele origin: unknown. Affected: yes. Study: The Canadian Open Genetics Repository (COGR). Not counted in ClinVar's aggregate classification.
Comment: The PKD1 p.Arg1920Cys variant was not identified in the literature nor was it identified in the ClinVar, COGR, LOVD 3.0, ADPKD Mutation Database, or PKD1-LOVD databases. The variant was identified in dbSNP (ID: rs185746648). The variant was identified in control databases in 19 of 261876 chromosomes at a frequency of 0.00007 (Genome Aggregation Database Feb 27, 2017). The variant was observed in the following populations: African in 7 of 22396 chromosomes (freq: 0.0003), Other in 1 of 6208 chromosomes (freq: 0.0002), European in 7 of 120600 chromosomes (freq: 0.00006), East Asian in 2 of 18582 chromosomes (freq: 0.0001), Finnish in 1 of 19418 chromosomes (freq: 0.00005), and South Asian in 1 of 30596 chromosomes (freq: 0.00003); it was not observed in the Latino, and Ashkenazi Jewish populations. The p.Arg1920 residue is not conserved in mammals and computational analyses (PolyPhen-2, SIFT, AlignGVGD, BLOSUM, MutationTaster) provide inconsistent predictions regarding the impact to the protein; this information is not very predictive of pathogenicity. The variant occurs outside of the splicing consensus sequence and in silico or computational prediction software programs (SpliceSiteFinder, MaxEntScan, NNSPLICE, GeneSplicer) do not predict a difference in splicing. In summary, based on the above information the clinical significance of this variant cannot be determined with certainty at this time. This variant is classified as a variant of uncertain significance.

NM_001009944.3(PKD1):c.5758C>T (p.Arg1920Cys)

Gene: PKD1 (polycystin 1, transient receptor potential channel interacting; minus strand). Cytogenetic location: 16p13.3.
Variant type: single nucleotide variant.
Coding change: c.5758C>T on transcript NM_001009944.3 (MANE Select); coding-DNA position 5758, C replaced by T.
Protein change: p.Arg1920Cys; replaces arginine 1920 with cysteine.
Molecular consequence: missense variant.
Genome position (GRCh38, 1-based): chr16:2,109,409, G>A on the plus strand (C>T on the coding strand, the complement: PKD1 is on the minus strand). VCF-style: chr16-2109409-G-A. GRCh37 (hg19) VCF-style: chr16-2159410-G-A.
Other names: c.5758C>T (NM_000296.3); c.5758C>T, p.Arg1920Cys (NM_000296.4); short protein forms R1920C.
Identifiers: ClinVar variation 997231 (VCV000997231.4), dbSNP rs185746648, ClinGen allele CA7831869.
Genomic context (GRCh38, chr16:2,109,409, plus strand): 5'-AGCTGTGGGAGAAACGGGGCCCGGGGAGCACCTCGGGGTTGGCCCCGCCGACCTGCAGGC[G>A]GAAGGTGACAGCTGAGCCGGCAGCCAGCAGGATCTGAAAATGGACCAGCTGCCCGGGCGC-3'
Protein context (NP_001009944.3, residues 1910-1930): LLAAGSAVTF[Arg1920Cys]LQVGGANPEV